The following is an entry in ClinVar:

NM_014244.5(ADAMTS2):c.56T>C (p.Leu19Pro)

Gene: ADAMTS2 (ADAM metallopeptidase with thrombospondin type 1 motif 2; minus strand). Cytogenetic location: 5q35.3.
Variant type: single nucleotide variant.
Coding change: c.56T>C on transcript NM_014244.5 (MANE Select); coding-DNA position 56, T replaced by C.
Protein change: p.Leu19Pro; replaces leucine 19 with proline.
Molecular consequence: missense variant.
Genome position (GRCh38, 1-based): chr5:179,345,273, A>G on the plus strand (T>C on the coding strand, the complement: ADAMTS2 is on the minus strand). VCF-style: chr5-179345273-A-G. GRCh37 (hg19) VCF-style: chr5-178772274-A-G.
Other names: c.56T>C, p.Leu19Pro (NM_021599.4); short protein forms L19P.
Identifiers: ClinVar variation 1305062 (VCV001305062.2), dbSNP rs1337756017, ClinGen allele CA362623948.

ClinVar aggregate classification (germline): Uncertain significance (1 of 4 stars; one submission).

Allele frequency attached by ClinVar (database versions not stated): gnomAD 0.00001; TOPMed 0.00001; gnomAD exomes 0.00002; 1000 Genomes Project 30x 0.00016.
gnomAD v4.1: 18 of 1,150,622 alleles (0.0016%); highest among the groups gnomAD compares: Non-Finnish European, 0.0019%; no homozygotes.

Submission:

GeneDx
Classification: Uncertain significance. Last evaluated: 2019-04-09. Review status: criteria provided, single submitter. Criteria: GeneDx Variant Classification Process June 2021. Collection method: clinical testing. Allele origin: germline. Affected: yes.
Comment: Not observed in large population cohorts (Lek et al., 2016); In silico analysis, which includes protein predictors and evolutionary conservation, supports that this variant does not alter protein structure/function; Has not been previously published as pathogenic or benign to our knowledge